The following is an entry in ClinVar:

NC_000017.10:g.(?_48266109)_(48266435_?)del

Gene: COL1A1 (collagen type I alpha 1 chain; minus strand). Cytogenetic location: 17q21.33.
Variant type: Deletion.
Identifiers: ClinVar variation 1456166 (VCV001456166.4).

ClinVar aggregate classification (germline): Pathogenic (1 of 4 stars; one submission).

Conditions:
Osteogenesis imperfecta type I (OI1). Also called: Lobstein disease; Classic Non-deforming Osteogenesis Imperfecta with Blue Sclerae; OI, TYPE I; OSTEOGENESIS IMPERFECTA TARDA; OSTEOGENESIS IMPERFECTA WITH BLUE SCLERAE; Osteogenesis imperfecta type 1. Identifiers: Orphanet 216796, Orphanet 666, MedGen C0023931, MONDO:0008146, OMIM 166200. Disease mechanism: loss of function.

Submission:

Labcorp Genetics (formerly Invitae), Labcorp
Classification: Pathogenic for Osteogenesis imperfecta type I. Last evaluated: 2021-05-05. Review status: criteria provided, single submitter. Criteria: Invitae Variant Classification Sherloc (09022015). Collection method: clinical testing. Allele origin: germline.
Comment: For these reasons, this variant has been classified as Pathogenic. This variant has been observed in individual(s) with osteogenesis imperfecta (Invitae). This variant results in the deletion of exon 41 and part of exon 42 (c.2938-64_3093delinsTT) of the COL1A1 gene. It is expected to disrupt RNA splicing. Variants that disrupt the donor or acceptor splice site typically lead to a loss of protein function (PMID: 16199547), and loss-of-function variants in COL1A1 are known to be pathogenic (PMID: 7942841, 9295084, 9443882). This variant disrupts the triple helix domain of COL1A1. Glycine residues within the Gly-Xaa-Yaa repeats of the triple helix domain are required for the structure and stability of fibrillar collagens (PMID: 7695699, 8218237, 19344236). In COL1A1, variants affecting these glycine residues are significantly enriched in individuals with disease (PMID: 9016532, 17078022) compared to the general population (ExAC).

Literature cited by the submitters: PubMed 16199547; PubMed 7942841; PubMed 9295084; PubMed 9443882; PubMed 7695699; PubMed 8218237; PubMed 19344236; PubMed 9016532; PubMed 17078022.